The following is an entry in ClinVar:

ClinVar aggregate classification (germline): Uncertain significance. Review status: criteria provided, multiple submitters, no conflicts (2 of 4 stars). 2 submissions from 2 submitters: Uncertain significance (2). Last evaluated 2025-06-18.

Conditions:
Gorlin syndrome. Also called: Basal cell nevus syndrome; Nevoid Basal Cell Carcinoma Syndrome. Identifiers: Orphanet 377, MedGen C0004779, MONDO:0007187.
Hereditary cancer-predisposing syndrome. Also called: Neoplastic Syndromes, Hereditary; Tumor predisposition; Hereditary Cancer Syndrome; Hereditary neoplastic syndrome. Identifiers: Orphanet 140162, MedGen C0027672, MeSH D009386, MONDO:0015356.

Submissions (2):

Labcorp Genetics (formerly Invitae), Labcorp
Classification: Uncertain significance for Gorlin syndrome. Last evaluated: 2025-06-18. Review status: criteria provided, single submitter. Criteria: Invitae Variant Classification Sherloc (09022015). Collection method: clinical testing. Allele origin: germline.
Comment: This sequence change replaces serine, which is neutral and polar, with glycine, which is neutral and non-polar, at codon 1033 of the PTCH1 protein (p.Ser1033Gly). This variant is not present in population databases (gnomAD no frequency). This variant has not been reported in the literature in individuals affected with PTCH1-related conditions. ClinVar contains an entry for this variant (Variation ID: 3616073). Invitae Evidence Modeling of protein sequence and biophysical properties (such as structural, functional, and spatial information, amino acid conservation, physicochemical variation, residue mobility, and thermodynamic stability) indicates that this missense variant is not expected to disrupt PTCH1 protein function with a negative predictive value of 95%. In summary, the available evidence is currently insufficient to determine the role of this variant in disease. Therefore, it has been classified as a Variant of Uncertain Significance.

Ambry Genetics
Classification: Uncertain significance for Hereditary cancer-predisposing syndrome. Last evaluated: 2025-05-27. Review status: criteria provided, single submitter. Criteria: Ambry Variant Classification Scheme 2023. Collection method: clinical testing. Allele origin: germline.
Comment: The p.S1033G variant (also known as c.3097A>G), located in coding exon 18 of the PTCH1 gene, results from an A to G substitution at nucleotide position 3097. The serine at codon 1033 is replaced by glycine, an amino acid with similar properties. This amino acid position is conserved. In addition, this alteration is predicted to be deleterious by in silico analysis. Based on the available evidence, the clinical significance of this variant remains unclear.

NM_000264.5(PTCH1):c.3097A>G (p.Ser1033Gly)

Gene: PTCH1 (patched 1; minus strand). Cytogenetic location: 9q22.32.
Variant type: single nucleotide variant.
Coding change: c.3097A>G on transcript NM_000264.5 (MANE Select); coding-DNA position 3097, A replaced by G.
Protein change: p.Ser1033Gly; replaces serine 1033 with glycine.
Molecular consequence: missense variant. On other transcripts: non-coding transcript variant (1).
Genome position (GRCh38, 1-based): chr9:95,458,084, T>C on the plus strand (A>G on the coding strand, the complement: PTCH1 is on the minus strand). VCF-style: chr9-95458084-T-C. GRCh37 (hg19) VCF-style: chr9-98220366-T-C.
Other names: c.2899A>G, p.Ser967Gly (NM_001083602.3); c.3094A>G, p.Ser1032Gly (NM_001083603.3); c.2644A>G, p.Ser882Gly (NM_001083604.3, NM_001083605.3, NM_001083606.3 and 1 more transcripts); c.2941A>G, p.Ser981Gly (NM_001354918.2); short protein forms S1032G, S1033G, S882G, S967G, S981G.
Identifiers: ClinVar variation 3616073 (VCV003616073.3).